The following is an entry in ClinVar:

NM_001851.6(COL9A1):c.2317C>A (p.His773Asn)

Gene: COL9A1 (collagen type IX alpha 1 chain; minus strand). Cytogenetic location: 6q13.
Variant type: single nucleotide variant.
Coding change: c.2317C>A on transcript NM_001851.6 (MANE Select); coding-DNA position 2317, C replaced by A.
Protein change: p.His773Asn; replaces histidine 773 with asparagine.
Molecular consequence: missense variant. On other transcripts: non-coding transcript variant (1).
Genome position (GRCh38, 1-based): chr6:70,232,769, G>T on the plus strand (C>A on the coding strand, the complement: COL9A1 is on the minus strand). VCF-style: chr6-70232769-G-T. GRCh37 (hg19) VCF-style: chr6-70942472-G-T.
Other names: c.1618C>A, p.His540Asn (NM_001377289.1); c.1441C>A, p.His481Asn (NM_001377290.1); c.1588C>A, p.His530Asn (NM_078485.4); short protein forms H773N, H540N, H481N, H530N.
Identifiers: ClinVar variation 4992918 (VCV004992918.1).

ClinVar aggregate classification (germline): Uncertain significance (1 of 4 stars; one submission).

Conditions:
COL9A1-related disorder. Also called: COL9A1-related condition; COL9A1-related disorders.

Submission:

PreventionGenetics, part of Exact Sciences
Classification: Uncertain significance for COL9A1-related condition. Last evaluated: 2026-01-20. Review status: criteria provided, single submitter. Criteria: ACMG Guidelines, 2015. Collection method: clinical testing. Allele origin: germline.
Comment: The COL9A1 c.2317C>A variant is predicted to result in the amino acid substitution p.His773Asn. To our knowledge, this variant has not been reported in the literature or in a large population database (gnomAD), indicating this variant is rare. At this time, the clinical significance of this variant is uncertain due to the absence of conclusive functional and genetic evidence.